The following is an entry in ClinVar:

ClinVar aggregate classification (germline): Uncertain significance. Review status: criteria provided, multiple submitters, no conflicts (2 of 4 stars). 2 submissions from 2 submitters: Uncertain significance (2). Last evaluated 2025-08-05.

Conditions:
Inborn genetic diseases. Identifiers: MedGen C0950123, MeSH D030342.

gnomAD v4.1: 2 of 1,613,958 alleles (0.00012%); highest among the groups gnomAD compares: African/African-American, 0.0027%; no homozygotes.

Submissions (2):

Ambry Genetics
Classification: Uncertain significance for Inborn genetic diseases. Last evaluated: 2025-08-05. Review status: criteria provided, single submitter. Criteria: Ambry Variant Classification Scheme 2023. Collection method: clinical testing. Allele origin: germline.

Labcorp Genetics (formerly Invitae), Labcorp
Classification: Uncertain significance. Last evaluated: 2020-03-31. Review status: criteria provided, single submitter. Criteria: Invitae Variant Classification Sherloc (09022015). Collection method: clinical testing. Allele origin: germline.
Comment: This sequence change replaces threonine with arginine at codon 1785 of the BPTF protein (p.Thr1785Arg). The threonine residue is moderately conserved and there is a moderate physicochemical difference between threonine and arginine. This variant is not present in population databases (ExAC no frequency). Algorithms developed to predict the effect of missense changes on protein structure and function are either unavailable or do not agree on the potential impact of this missense change (SIFT: "Tolerated"; PolyPhen-2: "Probably Damaging"; Align-GVGD: "Class C0"). This variant has not been reported in the literature in individuals with BPTF-related conditions. Algorithms developed to predict the effect of sequence changes on RNA splicing suggest that this variant may create or strengthen a splice site, but this prediction has not been confirmed by published transcriptional studies. In summary, the available evidence is currently insufficient to determine the role of this variant in disease. Therefore, it has been classified as a Variant of Uncertain Significance.

NM_182641.4(BPTF):c.4976C>G (p.Thr1659Arg)

Gene: BPTF (bromodomain PHD finger transcription factor; plus strand). Cytogenetic location: 17q24.2.
Variant type: single nucleotide variant.
Coding change: c.4976C>G on transcript NM_182641.4 (MANE Select); coding-DNA position 4976, C replaced by G.
Protein change: p.Thr1659Arg; replaces threonine 1659 with arginine.
Molecular consequence: missense variant.
Genome position (GRCh38, 1-based): chr17:67,912,860, C>G. VCF-style: chr17-67912860-C-G. GRCh37 (hg19) VCF-style: chr17-65908976-C-G.
Other names: c.5354C>G, p.Thr1785Arg (NM_004459.7); c.4976C>G (NM_182641.3); short protein forms T1785R, T1659R.
Identifiers: ClinVar variation 854070 (VCV000854070.10), dbSNP rs202095865, ClinGen allele CA400731445.
Genomic context (GRCh38, chr17:67,912,860, plus strand): 5'-CCACAGGCGGCAGTGTGGACATCATCTCTGTAAAGGAGCAGAGCAAAACCGTGGTCACCA[C>G]GACAGTGACAGACTCCCTGACCACCACGGGAGGCACACTGGTTACATCTATGACTGTGAG-3'
Protein context (NP_872579.2, residues 1649-1669): VKEQSKTVVT[Thr1659Arg]TVTDSLTTTG